The following is an entry in ClinVar:

NM_001458.5(FLNC):c.2740G>T (p.Val914Phe)

Gene: FLNC (filamin C; plus strand). Cytogenetic location: 7q32.1.
Variant type: single nucleotide variant.
Coding change: c.2740G>T on transcript NM_001458.5 (MANE Select); coding-DNA position 2740, G replaced by T.
Protein change: p.Val914Phe; replaces valine 914 with phenylalanine.
Molecular consequence: missense variant.
Genome position (GRCh38, 1-based): chr7:128,843,506, G>T. VCF-style: chr7-128843506-G-T. GRCh37 (hg19) VCF-style: chr7-128483560-G-T.
Other names: c.2740G>T, p.Val914Phe (NM_001127487.2); short protein forms V914F.
Identifiers: ClinVar variation 3221714 (VCV003221714.1), dbSNP rs2536633871, ClinGen allele CA369193101.

ClinVar aggregate classification (germline): Uncertain significance (1 of 4 stars; one submission).

Conditions:
Cardiovascular phenotype. Identifiers: MedGen CN230736.

Submission:

Ambry Genetics
Classification: Uncertain significance for Cardiovascular phenotype. Last evaluated: 2023-11-03. Review status: criteria provided, single submitter. Criteria: Ambry Variant Classification Scheme 2023. Collection method: clinical testing. Allele origin: germline.
Comment: The p.V914F variant (also known as c.2740G>T), located in coding exon 18 of the FLNC gene, results from a G to T substitution at nucleotide position 2740. The valine at codon 914 is replaced by phenylalanine, an amino acid with highly similar properties. This amino acid position is conserved. In addition, this alteration is predicted to be tolerated by in silico analysis. Since supporting evidence is limited at this time, the clinical significance of this alteration remains unclear.